The following is an entry in ClinVar:

NM_031414.5(STK31):c.1153C>T (p.Arg385Cys)

Gene: STK31 (serine/threonine kinase 31; plus strand). Cytogenetic location: 7p15.3.
Variant type: single nucleotide variant.
Coding change: c.1153C>T on transcript NM_031414.5 (MANE Select); coding-DNA position 1153, C replaced by T.
Protein change: p.Arg385Cys; replaces arginine 385 with cysteine.
Molecular consequence: missense variant. On other transcripts: non-coding transcript variant (1).
Genome position (GRCh38, 1-based): chr7:23,754,334, C>T. VCF-style: chr7-23754334-C-T. GRCh37 (hg19) VCF-style: chr7-23793953-C-T.
Other names: c.1084C>T, p.Arg362Cys (NM_001260504.2, NM_032944.4); c.1153C>T, p.Arg385Cys (NM_001260505.2); short protein forms R362C, R385C.
Identifiers: ClinVar variation 2657352 (VCV002657352.24), dbSNP rs35995607, ClinGen allele CA4190115.
Genomic context (GRCh38, chr7:23,754,334, plus strand): 5'-TAATTTATTGATCTTCTTCTTTTTGATGTTTTTAAAAATAGGCATGTCGACATCAGTGTC[C>T]GTTTCGGAAAAGACCTTTCAGATGCTATACAAGTGTTGGATGAAGGGTGCTTTACTACTC-3'
Protein context (NP_113602.2, residues 375-395): KEMRHVDISV[Arg385Cys]FGKDLSDAIQ

ClinVar aggregate classification (germline): Likely benign (1 of 4 stars; one submission).

Allele frequency attached by ClinVar (database versions not stated): 1000 Genomes Project 30x 0.00453; 1000 Genomes Project 0.00499; gnomAD exomes 0.00525; gnomAD 0.00581; ESP Exome Variant Server 0.00607; TOPMed 0.00642; ExAC 0.00682.
gnomAD v4.1: 8,594 of 1,609,966 alleles (0.53%); highest among the groups gnomAD compares: Middle Eastern, 2%; 38 homozygotes.

Submission:

CeGaT Center for Human Genetics Tuebingen
Classification: Likely benign. Last evaluated: 2023-01-01. Review status: criteria provided, single submitter. Criteria: CeGaT Center For Human Genetics Tuebingen Variant Classification Criteria Version 2. Collection method: clinical testing. Allele origin: germline. Affected: yes. Observed: 1 variant allele.
Comment: STK31: BP4, BS2